The following is an entry in ClinVar:

ClinVar aggregate classification (germline): Uncertain significance. Review status: criteria provided, multiple submitters, no conflicts (2 of 4 stars). 2 submissions from 2 submitters: Uncertain significance (2). Last evaluated 2025-08-29.

Conditions:
Inborn genetic diseases. Identifiers: MedGen C0950123, MeSH D030342.
Multiple acyl-CoA dehydrogenase deficiency (MADD). Also called: Glutaric acidemia type II; GA 2; Glutaric Acidemia type 2; ETHYLMALONIC-ADIPICACIDURIA; GA II; Glutaric aciduria, type 2. Identifiers: Orphanet 26791, MedGen C0268596, MONDO:0009282, OMIM 231680.

Allele frequency attached by ClinVar (database versions not stated): gnomAD exomes 0.00001 and 0.00002; ExAC 0.00002; gnomAD 0.00006 and 0.00007; ESP Exome Variant Server 0.00008; TOPMed 0.00008.

Submissions (2):

Ambry Genetics
Classification: Uncertain significance for Inborn genetic diseases. Last evaluated: 2025-08-29. Review status: criteria provided, single submitter. Criteria: Ambry Variant Classification Scheme 2023. Collection method: clinical testing. Allele origin: germline.

Labcorp Genetics (formerly Invitae), Labcorp
Classification: Uncertain significance for Multiple acyl-CoA dehydrogenase deficiency. Last evaluated: 2022-08-06. Review status: criteria provided, single submitter. Criteria: Invitae Variant Classification Sherloc (09022015). Collection method: clinical testing. Allele origin: germline.
Comment: This sequence change replaces arginine, which is basic and polar, with glutamine, which is neutral and polar, at codon 254 of the ETFB protein (p.Arg254Gln). This variant is present in population databases (rs145173884, gnomAD 0.02%). This variant has not been reported in the literature in individuals affected with ETFB-related conditions. ClinVar contains an entry for this variant (Variation ID: 657503). Algorithms developed to predict the effect of missense changes on protein structure and function output the following: SIFT: "Tolerated"; PolyPhen-2: "Benign"; Align-GVGD: "Class C0". The glutamine amino acid residue is found in multiple mammalian species, which suggests that this missense change does not adversely affect protein function. In summary, the available evidence is currently insufficient to determine the role of this variant in disease. Therefore, it has been classified as a Variant of Uncertain Significance.

NM_001985.3(ETFB):c.761G>A (p.Arg254Gln)

Gene: ETFB (electron transfer flavoprotein subunit beta; minus strand). Cytogenetic location: 19q13.41.
Variant type: single nucleotide variant.
Coding change: c.761G>A on transcript NM_001985.3 (MANE Select); coding-DNA position 761, G replaced by A.
Protein change: p.Arg254Gln; replaces arginine 254 with glutamine.
Molecular consequence: missense variant.
Genome position (GRCh38, 1-based): chr19:51,345,218, C>T on the plus strand (G>A on the coding strand, the complement: ETFB is on the minus strand). VCF-style: chr19-51345218-C-T. GRCh37 (hg19) VCF-style: chr19-51848472-C-T.
Other names: c.1034G>A, p.Arg345Gln (NM_001014763.1); short protein forms R345Q, R254Q.
Identifiers: ClinVar variation 657503 (VCV000657503.7), dbSNP rs145173884, ClinGen allele CA9610663.